The following is an entry in ClinVar:

ClinVar aggregate classification (germline): Uncertain significance (1 of 4 stars; one submission).

Allele frequency attached by ClinVar (database versions not stated): gnomAD exomes below 0.00001; gnomAD 0.00001; TOPMed 0.00005.
gnomAD v4.1: 4 of 1,532,266 alleles (0.00026%); highest among the groups gnomAD compares: African/African-American, 0.0055%; no homozygotes.

Submission:

Labcorp Genetics (formerly Invitae), Labcorp
Classification: Uncertain significance. Last evaluated: 2024-09-24. Review status: criteria provided, single submitter. Criteria: Invitae Variant Classification Sherloc (09022015). Collection method: clinical testing. Allele origin: germline.
Comment: This sequence change replaces leucine, which is neutral and non-polar, with proline, which is neutral and non-polar, at codon 145 of the NEFH protein (p.Leu145Pro). This variant is not present in population databases (gnomAD no frequency). This variant has not been reported in the literature in individuals affected with NEFH-related conditions. Invitae Evidence Modeling of protein sequence and biophysical properties (such as structural, functional, and spatial information, amino acid conservation, physicochemical variation, residue mobility, and thermodynamic stability) indicates that this missense variant is not expected to disrupt NEFH protein function with a negative predictive value of 95%. In summary, the available evidence is currently insufficient to determine the role of this variant in disease. Therefore, it has been classified as a Variant of Uncertain Significance.

NM_021076.4(NEFH):c.434T>C (p.Leu145Pro)

Gene: NEFH (neurofilament heavy chain; plus strand). Cytogenetic location: 22q12.2.
Variant type: single nucleotide variant.
Coding change: c.434T>C on transcript NM_021076.4 (MANE Select); coding-DNA position 434, T replaced by C.
Protein change: p.Leu145Pro; replaces leucine 145 with proline.
Molecular consequence: missense variant.
Genome position (GRCh38, 1-based): chr22:29,480,696, T>C. VCF-style: chr22-29480696-T-C. GRCh37 (hg19) VCF-style: chr22-29876685-T-C.
Other names: short protein forms L145P.
Identifiers: ClinVar variation 3007859 (VCV003007859.3), dbSNP rs1036006132, ClinGen allele CA323082979.